The following is an entry in ClinVar:

NM_003265.3(TLR3):c.2340A>C (p.Glu780Asp)

Gene: TLR3 (toll like receptor 3; plus strand). Cytogenetic location: 4q35.1.
Variant type: single nucleotide variant.
Coding change: c.2340A>C on transcript NM_003265.3 (MANE Select); coding-DNA position 2340, A replaced by C.
Protein change: p.Glu780Asp; replaces glutamic acid 780 with aspartic acid.
Molecular consequence: missense variant.
Genome position (GRCh38, 1-based): chr4:186,084,026, A>C. VCF-style: chr4-186084026-A-C. GRCh37 (hg19) VCF-style: chr4-187005180-A-C.
Other names: short protein forms E780D.
Identifiers: ClinVar variation 2999970 (VCV002999970.3), dbSNP rs1271155817, ClinGen allele CA358936918.

ClinVar aggregate classification (germline): Uncertain significance (1 of 4 stars; one submission).

Conditions:
Encephalopathy, acute, infection-induced (herpes-specific), susceptibility to, 1. Also called: Herpes simplex encephalitis, susceptibility to, 1. Identifiers: Orphanet 1930, MedGen C2750180, MONDO:0024563, OMIM 610551.

Allele frequency attached by ClinVar (database versions not stated): gnomAD exomes below 0.00001.
gnomAD v4.1: 1 of 1,614,202 alleles (0.000062%); highest among the groups gnomAD compares: Non-Finnish European, 0.000085%; no homozygotes.

Submission:

Labcorp Genetics (formerly Invitae), Labcorp
Classification: Uncertain significance for Encephalopathy, acute, infection-induced (herpes-specific), susceptibility to, 1. Last evaluated: 2023-04-10. Review status: criteria provided, single submitter. Criteria: Invitae Variant Classification Sherloc (09022015). Collection method: clinical testing. Allele origin: germline.
Comment: In summary, the available evidence is currently insufficient to determine the role of this variant in disease. Therefore, it has been classified as a Variant of Uncertain Significance. An algorithm developed to predict the effect of missense changes on protein structure and function (PolyPhen-2) suggests that this variant is likely to be tolerated. This variant has not been reported in the literature in individuals affected with TLR3-related conditions. This variant is present in population databases (no rsID available, gnomAD 0.0009%). This sequence change replaces glutamic acid, which is acidic and polar, with aspartic acid, which is acidic and polar, at codon 780 of the TLR3 protein (p.Glu780Asp).